The following is an entry in ClinVar:

NM_000059.4(BRCA2):c.4211C>A (p.Ser1404Ter)

Gene: BRCA2 (BRCA2 DNA repair associated; plus strand). Cytogenetic location: 13q13.1.
Variant type: single nucleotide variant.
Coding change: c.4211C>A on transcript NM_000059.4 (MANE Select); coding-DNA position 4211, C replaced by A.
Protein change: p.Ser1404Ter; replaces serine 1404 with a stop codon.
Molecular consequence: nonsense.
Genome position (GRCh38, 1-based): chr13:32,338,566, C>A. VCF-style: chr13-32338566-C-A. GRCh37 (hg19) VCF-style: chr13-32912703-C-A.
Other names: short protein forms S1404*.
Identifiers: ClinVar variation 462333 (VCV000462333.9), dbSNP rs41293489, ClinGen allele CA387780259.

ClinVar aggregate classification (germline): Pathogenic (1 of 4 stars; one submission).

Conditions:
Hereditary breast ovarian cancer syndrome. Also called: Hereditary breast and ovarian cancer syndrome (HBOC); Hereditary breast and ovarian cancer syndrome; Breast and ovarian cancer; Hereditary breast and/or ovarian cancer syndrome; Hereditary breast and ovarian cancer; BRCA1- and BRCA2-Associated Hereditary Breast and Ovarian Cancer. Identifiers: Orphanet 145, MedGen C0677776, MeSH D061325, MONDO:0003582. Disease mechanism: loss of function.

Submission:

Labcorp Genetics (formerly Invitae), Labcorp
Classification: Pathogenic for Hereditary breast ovarian cancer syndrome. Last evaluated: 2023-02-24. Review status: criteria provided, single submitter. Criteria: Invitae Variant Classification Sherloc (09022015). Collection method: clinical testing. Allele origin: germline.
Comment: For these reasons, this variant has been classified as Pathogenic. ClinVar contains an entry for this variant (Variation ID: 462333). A different variant (c.4211C>G) giving rise to the same protein effect has been determined to be pathogenic (PMID: 25151137). This suggests that this variant is also likely to be causative of disease. This variant is not present in population databases (gnomAD no frequency). This sequence change creates a premature translational stop signal (p.Ser1404*) in the BRCA2 gene. It is expected to result in an absent or disrupted protein product. Loss-of-function variants in BRCA2 are known to be pathogenic (PMID: 20104584).

Literature cited by the submitters: PubMed 25151137; PubMed 20104584.